The following is an entry in ClinVar:

ClinVar aggregate classification (germline): Uncertain significance (1 of 4 stars; one submission).

Conditions:
Spastic paraplegia. Identifiers: MedGen C0037772, HP:0001258.

Submission:

Labcorp Genetics (formerly Invitae), Labcorp
Classification: Uncertain significance for Spastic paraplegia. Last evaluated: 2022-08-08. Review status: criteria provided, single submitter. Criteria: Invitae Variant Classification Sherloc (09022015). Collection method: clinical testing. Allele origin: germline.
Comment: This variant is present in population databases (rs781389623, gnomAD 0.02%). In summary, the available evidence is currently insufficient to determine the role of this variant in disease. Therefore, it has been classified as a Variant of Uncertain Significance. Algorithms developed to predict the effect of sequence changes on RNA splicing suggest that this variant may create or strengthen a splice site. Algorithms developed to predict the effect of missense changes on protein structure and function (SIFT, PolyPhen-2, Align-GVGD) all suggest that this variant is likely to be disruptive. This variant has not been reported in the literature in individuals affected with B4GALNT1-related conditions. This sequence change replaces arginine, which is basic and polar, with proline, which is neutral and non-polar, at codon 397 of the B4GALNT1 protein (p.Arg397Pro).

NM_001478.5(B4GALNT1):c.1190G>C (p.Arg397Pro)

Gene: B4GALNT1 (beta-1,4-N-acetyl-galactosaminyltransferase 1; minus strand). Cytogenetic location: 12q13.3.
Variant type: single nucleotide variant.
Coding change: c.1190G>C on transcript NM_001478.5 (MANE Select); coding-DNA position 1190, G replaced by C.
Protein change: p.Arg397Pro; replaces arginine 397 with proline.
Molecular consequence: missense variant.
Genome position (GRCh38, 1-based): chr12:57,627,812, C>G on the plus strand (G>C on the coding strand, the complement: B4GALNT1 is on the minus strand). VCF-style: chr12-57627812-C-G. GRCh37 (hg19) VCF-style: chr12-58021595-C-G.
Other names: c.1025G>C, p.Arg342Pro (NM_001276468.2, NM_001413978.1); c.1358G>C, p.Arg453Pro (NM_001413967.1); c.1325G>C, p.Arg442Pro (NM_001413968.1, NM_001413969.1); c.1223G>C, p.Arg408Pro (NM_001413970.1, NM_001413971.1, NM_001413972.1); c.1190G>C, p.Arg397Pro (NM_001413973.1, NM_001413974.1); c.1091G>C, p.Arg364Pro (NM_001413977.1); c.338G>C, p.Arg113Pro (NM_001413981.1); c.236G>C, p.Arg79Pro (NM_001413982.1); and 1 more; short protein forms R364P, R453P, R442P, R68P, R79P, R397P, R113P, R342P.
Identifiers: ClinVar variation 2181841 (VCV002181841.4), dbSNP rs781389623, ClinGen allele CA6655496.